The following is an entry in ClinVar:

NM_003235.5(TG):c.8144G>C (p.Cys2715Ser)

Gene: TG (thyroglobulin; plus strand). Cytogenetic location: 8q24.22.
Variant type: single nucleotide variant.
Coding change: c.8144G>C on transcript NM_003235.5 (MANE Select); coding-DNA position 8144, G replaced by C.
Protein change: p.Cys2715Ser; replaces cysteine 2715 with serine.
Molecular consequence: missense variant.
Genome position (GRCh38, 1-based): chr8:133,133,616, G>C. VCF-style: chr8-133133616-G-C. GRCh37 (hg19) VCF-style: chr8-134145860-G-C.
Other names: short protein forms C2715S.
Identifiers: ClinVar variation 3572624 (VCV003572624.1).
Genomic context (GRCh38, chr8:133,133,616, plus strand): 5'-AGAACTACAAGGAGTTCAGTGAGCTGCTCCCCAATCGACAGGGCCTGAAGAAAGCCGACT[G>C]CTCCTTCTGGTCCAAGTACATCTCGTCTCTGAAGACATCTGCAGGTAGCAAAGCCCTGGG-3'
Protein context (NP_003226.4, residues 2705-2725): PNRQGLKKAD[Cys2715Ser]SFWSKYISSL

ClinVar aggregate classification (germline): Uncertain significance (1 of 4 stars; one submission).

gnomAD v4.1: 1 of 1,614,226 alleles (0.000062%); highest among the groups gnomAD compares: African/African-American, 0.0013%; no homozygotes.

Submission:

GeneDx
Classification: Uncertain significance. Last evaluated: 2024-07-08. Review status: criteria provided, single submitter. Criteria: GeneDx Variant Classification Process June 2021. Collection method: clinical testing. Allele origin: germline. Affected: yes.
Comment: Not observed at significant frequency in large population cohorts (gnomAD); In silico analysis supports that this missense variant has a deleterious effect on protein structure/function; Has not been previously published as pathogenic or benign to our knowledge